The following is an entry in ClinVar:

NM_000245.4(MET):c.2519T>A (p.Val840Glu)

Gene: MET (MET proto-oncogene, receptor tyrosine kinase; plus strand). Cytogenetic location: 7q31.2.
Variant type: single nucleotide variant.
Coding change: c.2519T>A on transcript NM_000245.4 (MANE Select); coding-DNA position 2519, T replaced by A.
Protein change: p.Val840Glu; replaces valine 840 with glutamic acid.
Molecular consequence: missense variant.
Genome position (GRCh38, 1-based): chr7:116,763,204, T>A. VCF-style: chr7-116763204-T-A. GRCh37 (hg19) VCF-style: chr7-116403258-T-A.
Other names: c.2573T>A, p.Val858Glu (NM_001127500.3); c.2519T>A, p.Val840Glu (NM_001324401.3); c.1229T>A, p.Val410Glu (NM_001324402.2); short protein forms V410E, V840E, V858E.
Identifiers: ClinVar variation 3872397 (VCV003872397.1).

ClinVar aggregate classification (germline): Uncertain significance (1 of 4 stars; one submission).

Conditions:
Hereditary cancer-predisposing syndrome. Also called: Tumor predisposition; Neoplastic Syndromes, Hereditary; Hereditary Cancer Syndrome; Hereditary neoplastic syndrome. Identifiers: Orphanet 140162, MedGen C0027672, MeSH D009386, MONDO:0015356.

Submission:

Ambry Genetics
Classification: Uncertain significance for Hereditary cancer-predisposing syndrome. Last evaluated: 2025-02-25. Review status: criteria provided, single submitter. Criteria: Ambry Variant Classification Scheme 2023. Collection method: clinical testing. Allele origin: germline.
Comment: The p.V858E variant (also known as c.2573T>A), located in coding exon 10 of the MET gene, results from a T to A substitution at nucleotide position 2573. The valine at codon 858 is replaced by glutamic acid, an amino acid with dissimilar properties. This amino acid position is conserved. In addition, the in silico prediction for this alteration is inconclusive. Based on the available evidence, the clinical significance of this variant remains unclear.